The following is an entry in ClinVar:

ClinVar aggregate classification (germline): Uncertain significance (1 of 4 stars; one submission).

Allele frequency attached by ClinVar (database versions not stated): TOPMed 0.00001.

Submission:

Labcorp Genetics (formerly Invitae), Labcorp
Classification: Uncertain significance. Last evaluated: 2022-11-22. Review status: criteria provided, single submitter. Criteria: Invitae Variant Classification Sherloc (09022015). Collection method: clinical testing. Allele origin: germline.
Comment: This variant has not been reported in the literature in individuals affected with EFEMP1-related conditions. This sequence change falls in intron 9 of the EFEMP1 gene. It does not directly change the encoded amino acid sequence of the EFEMP1 protein. This variant is not present in population databases (gnomAD no frequency). Algorithms developed to predict the effect of sequence changes on RNA splicing suggest that this variant may disrupt the consensus splice site. In summary, the available evidence is currently insufficient to determine the role of this variant in disease. Therefore, it has been classified as a Variant of Uncertain Significance.

NM_001039348.3(EFEMP1):c.1001-9T>C

Gene: EFEMP1 (EGF-like fibulin extracellular matrix protein 1; minus strand). Cytogenetic location: 2p16.1.
Variant type: single nucleotide variant.
Coding change: c.1001-9T>C on transcript NM_001039348.3 (MANE Select); 9 bases into the intron before coding-DNA position 1001, T replaced by C.
Molecular consequence: intron variant.
Genome position (GRCh38, 1-based): chr2:55,871,132, A>G on the plus strand (T>C on the coding strand, the complement: EFEMP1 is on the minus strand). VCF-style: chr2-55871132-A-G. GRCh37 (hg19) VCF-style: chr2-56098267-A-G.
Other names: c.1001-9T>C (NM_001039349.3).
Identifiers: ClinVar variation 2130021 (VCV002130021.4), dbSNP rs1471947918, ClinGen allele CA770318763.
Genomic context (GRCh38, chr2:55,871,132, plus strand): 5'-CAACACATTTCATCCTCCCGGCATTCATTTGTGGTCTCACACTCATTTATATCTGTAGAG[A>G]TGTAGGGTCAAAGAGTTTACTAACTAAACTAATGAACTGATCTAATTAAATCATATAACT-3'